The following is an entry in ClinVar:

ClinVar aggregate classification (germline): Likely benign. Review status: criteria provided, multiple submitters, no conflicts (2 of 4 stars). 2 submissions from 2 submitters: Likely benign (2). Last evaluated 2025-12-13.

Conditions:
Dyskeratosis congenita. Identifiers: Orphanet 1775, MedGen C0265965, MONDO:0015780.

Allele frequency attached by ClinVar (database versions not stated): gnomAD exomes 0.00003 and 0.00010; ExAC 0.00015; gnomAD 0.00034 and 0.00035; TOPMed 0.00036; ESP Exome Variant Server 0.00038; 1000 Genomes Project 0.00053; 1000 Genomes Project 30x 0.00062.
gnomAD v4.1: 69 of 1,210,200 alleles (0.0057%); highest among the groups gnomAD compares: African/African-American, 0.1%; no homozygotes.

Submissions (2):

Labcorp Genetics (formerly Invitae), Labcorp
Classification: Likely benign for Dyskeratosis congenita. Last evaluated: 2025-12-13. Review status: criteria provided, single submitter. Criteria: Invitae Variant Classification Sherloc (09022015). Collection method: clinical testing. Allele origin: germline.

CeGaT Center for Human Genetics Tuebingen
Classification: Likely benign. Last evaluated: 2025-10-01. Review status: criteria provided, single submitter. Criteria: CeGaT Center For Human Genetics Tuebingen Variant Classification Criteria Version 2. Collection method: clinical testing. Allele origin: germline. Affected: yes. Observed: 1 variant allele.
Comment: DKC1: BP4, BP7, BS2

NM_001363.5(DKC1):c.1317C>T (p.Ala439=)

Gene: DKC1 (dyskerin pseudouridine synthase 1; plus strand). Cytogenetic location: Xq28.
Variant type: single nucleotide variant.
Coding change: c.1317C>T on transcript NM_001363.5 (MANE Select); coding-DNA position 1317, C replaced by T.
Protein change: p.Ala439=; no amino-acid change (alanine 439 retained).
Molecular consequence: synonymous variant. On other transcripts: 3 prime UTR variant (1), non-coding transcript variant (3).
Genome position (GRCh38, 1-based): chrX:154,775,252, C>T. VCF-style: chrX-154775252-C-T. GRCh37 (hg19) VCF-style: chrX-154003527-C-T.
Other names: c.1302C>T, p.Ala434= (NM_001142463.3); c.*543C>T (NM_001288747.2).
Identifiers: ClinVar variation 417157 (VCV000417157.18), dbSNP rs143207180, ClinGen allele CA10567253.